The following is an entry in ClinVar:

NM_000352.6(ABCC8):c.2054A>G (p.Tyr685Cys)

Gene: ABCC8 (ATP binding cassette subfamily C member 8; minus strand). Cytogenetic location: 11p15.1.
Variant type: single nucleotide variant.
Coding change: c.2054A>G on transcript NM_000352.6 (MANE Select); coding-DNA position 2054, A replaced by G.
Protein change: p.Tyr685Cys; replaces tyrosine 685 with cysteine.
Molecular consequence: missense variant. On other transcripts: non-coding transcript variant (1).
Genome position (GRCh38, 1-based): chr11:17,427,929, T>C on the plus strand (A>G on the coding strand, the complement: ABCC8 is on the minus strand). VCF-style: chr11-17427929-T-C. GRCh37 (hg19) VCF-style: chr11-17449476-T-C.
Other names: c.2054A>G, p.Tyr685Cys (NM_001287174.3); c.2120A>G, p.Tyr707Cys (NM_001351295.2); c.2051A>G, p.Tyr684Cys (NM_001351296.2, NM_001351297.2); c.2054A>G (NM_000352.4); short protein forms Y684C, Y707C, Y685C.
Identifiers: ClinVar variation 3599380 (VCV003599380.2).
Genomic context (GRCh38, chr11:17,427,929, plus strand): 5'-CGGGGGATACGAATGGTGATGTTGGACAGTGTGGGGATTCCATCTGGGGTCCACGTGAAG[T>C]AGCCTCCCATGATCTTCATTAGGCGTGTCCCACCGCCCAGGAGAGAACAGAAAGGCAGCC-3'
Protein context (NP_000343.2, residues 675-695): DNCCVQIMGG[Tyr685Cys]FTWTPDGIPT

ClinVar aggregate classification (germline): Uncertain significance. Review status: criteria provided, multiple submitters, no conflicts (2 of 4 stars). 2 submissions from 2 submitters: Uncertain significance (2). Last evaluated 2025-07-31.

Conditions:
Hyperinsulinemic hypoglycemia, familial, 1 (HHF1). Also called: Persistent hyperinsulinemic hypoglycemia of infancy; Persistent Hyperinsulinemia Hypoglycemia of Infancy; HYPERINSULINISM, FAMILIAL, WITH PANCREATIC NESIDIOBLASTOSIS; HYPOGLYCEMIA, HYPERINSULINEMIC, OF INFANCY; NESIDIOBLASTOSIS OF PANCREAS. Identifiers: Orphanet 276575, Orphanet 276598, MedGen C2931832, MONDO:0009734, OMIM 256450.
Diabetes mellitus, permanent neonatal 3. Also called: ABCC8-Related Permanent Neonatal Diabetes Mellitus. Identifiers: MedGen C5394303, MONDO:0030088, OMIM 618857.
Leucine-induced hypoglycemia (LIH). Also called: LEUCINE-SENSITIVE HYPOGLYCEMIA OF INFANCY. Identifiers: MedGen C0271714, MONDO:0009415, OMIM 240800.
Type 2 diabetes mellitus. Also called: Type II diabetes mellitus. Identifiers: MedGen C0011860, MeSH D003924, MONDO:0005148, OMIM 125853, HP:0005978.
Diabetes mellitus, transient neonatal, 2 (TNDM2). Identifiers: Orphanet 99886, MedGen C1835887, MONDO:0012480, OMIM 610374. Disease mechanism: loss of function.
ABCC8-related disorder.

gnomAD v4.1: 5 of 1,613,818 alleles (0.00031%); highest among the groups gnomAD compares: Non-Finnish European, 0.00042%; no homozygotes.

Submissions (2):

PreventionGenetics, part of Exact Sciences
Classification: Uncertain significance for ABCC8-related condition. Last evaluated: 2025-07-31. Review status: criteria provided, single submitter. Criteria: ACMG Guidelines, 2015. Collection method: clinical testing. Allele origin: germline.
Comment: The ABCC8 c.2054A>G variant is predicted to result in the amino acid substitution p.Tyr685Cys. To our knowledge, this variant has not been reported in the literature. This variant is reported in 0.0028% of alleles in individuals of Latino descent in gnomAD. At this time, the clinical significance of this variant is uncertain due to the absence of conclusive functional and genetic evidence.

Fulgent Genetics
Classification: Uncertain significance for Type 2 diabetes mellitus; Leucine-induced hypoglycemia; Hyperinsulinemic hypoglycemia, familial, 1; Diabetes mellitus, transient neonatal, 2; Diabetes mellitus, permanent neonatal 3. Last evaluated: 2024-02-12. Review status: criteria provided, single submitter. Criteria: ACMG Guidelines, 2015. Collection method: clinical testing. Allele origin: germline.